The following is an entry in ClinVar:

NM_001201427.2(DAAM2):c.2835C>T (p.Phe945=)

Gene: DAAM2 (dishevelled associated activator of morphogenesis 2; plus strand). Cytogenetic location: 6p21.2.
Variant type: single nucleotide variant.
Coding change: c.2835C>T on transcript NM_001201427.2 (MANE Select); coding-DNA position 2835, C replaced by T.
Protein change: p.Phe945=; no amino-acid change (phenylalanine 945 retained).
Molecular consequence: synonymous variant.
Genome position (GRCh38, 1-based): chr6:39,901,325, C>T. VCF-style: chr6-39901325-C-T. GRCh37 (hg19) VCF-style: chr6-39869101-C-T.
Other names: c.2835C>T (NM_001201427.1); c.2832C>T, p.Phe944= (NM_015345.4).
Identifiers: ClinVar variation 4872609 (VCV004872609.3).

ClinVar aggregate classification (germline): Likely benign. Review status: criteria provided, multiple submitters, no conflicts (2 of 4 stars). 2 submissions from 2 submitters: Likely benign (2). Last evaluated 2026-06-01.

Conditions:
DAAM2-related disorder. Also called: DAAM2-related condition.

Submissions (2):

CeGaT Center for Human Genetics Tuebingen
Classification: Likely benign. Last evaluated: 2026-06-01. Review status: criteria provided, single submitter. Criteria: CeGaT Center For Human Genetics Tuebingen Variant Classification Criteria Version 2. Collection method: clinical testing. Allele origin: germline. Affected: yes. Observed: 1 variant allele.
Comment: DAAM2: BP4, BP7

PreventionGenetics, part of Exact Sciences
Classification: Likely benign for DAAM2-related condition. Last evaluated: 2026-03-28. Review status: criteria provided, single submitter. Criteria: ACMG Guidelines, 2015. Collection method: clinical testing. Allele origin: germline.
Comment: This variant is classified as likely benign based on ACMG/AMP sequence variant interpretation guidelines (Richards et al. 2015 PMID: 25741868, with internal and published modifications).